The following is an entry in ClinVar:

NM_000057.4(BLM):c.139G>A (p.Val47Ile)

Gene: BLM (BLM RecQ like helicase; plus strand). Cytogenetic location: 15q26.1.
Variant type: single nucleotide variant.
Coding change: c.139G>A on transcript NM_000057.4 (MANE Select); coding-DNA position 139, G replaced by A.
Protein change: p.Val47Ile; replaces valine 47 with isoleucine.
Molecular consequence: missense variant. On other transcripts: 5 prime UTR variant (1).
Genome position (GRCh38, 1-based): chr15:90,749,407, G>A. VCF-style: chr15-90749407-G-A. GRCh37 (hg19) VCF-style: chr15-91292637-G-A.
Other names: c.139G>A, p.Val47Ile (NM_001287246.2, NM_001287247.2); c.-1153G>A (NM_001287248.2); short protein forms V47I.
Identifiers: ClinVar variation 4843385 (VCV004843385.1).

ClinVar aggregate classification (germline): Uncertain significance (1 of 4 stars; one submission).

Conditions:
Hereditary cancer-predisposing syndrome. Also called: Neoplastic Syndromes, Hereditary; Tumor predisposition; Hereditary Cancer Syndrome; Hereditary neoplastic syndrome. Identifiers: Orphanet 140162, MedGen C0027672, MeSH D009386, MONDO:0015356.

gnomAD v4.1: 1 of 1,607,726 alleles (0.000062%); highest among the groups gnomAD compares: African/African-American, 0.0013%; no homozygotes.

Submission:

Ambry Genetics
Classification: Uncertain significance for Hereditary cancer-predisposing syndrome. Last evaluated: 2025-12-16. Review status: criteria provided, single submitter. Criteria: Ambry Variant Classification Scheme 2023. Collection method: clinical testing. Allele origin: germline.
Comment: The p.V47I variant (also known as c.139G>A), located in coding exon 2 of the BLM gene, results from a G to A substitution at nucleotide position 139. The valine at codon 47 is replaced by isoleucine, an amino acid with highly similar properties. This amino acid position is conserved. In addition, this alteration is predicted to be tolerated by in silico analysis. Based on the available evidence, the clinical significance of this variant remains unclear.